The following is an entry in ClinVar:

ClinVar aggregate classification (germline): Uncertain significance. Review status: criteria provided, multiple submitters, no conflicts (2 of 4 stars). 2 submissions from 2 submitters: Uncertain significance (2). Last evaluated 2025-10-24.

Conditions:
Epilepsy, familial focal, with variable foci 3 (FFEVF3). Identifiers: MedGen C4310708, MONDO:0014925, OMIM 617118.

Allele frequency attached by ClinVar (database versions not stated): gnomAD 0.00003 and 0.00005; gnomAD exomes 0.00003 and 0.00008; TOPMed 0.00004; ExAC 0.00009; 1000 Genomes Project 30x 0.00016; 1000 Genomes Project 0.00020.
gnomAD v4.1: 45 of 1,581,206 alleles (0.0028%); highest among the groups gnomAD compares: Middle Eastern, 0.051%; no homozygotes.

Submissions (2):

Labcorp Genetics (formerly Invitae), Labcorp
Classification: Uncertain significance for Epilepsy, familial focal, with variable foci 3. Last evaluated: 2025-10-24. Review status: criteria provided, single submitter. Criteria: Invitae Variant Classification Sherloc (09022015). Collection method: clinical testing. Allele origin: germline.
Comment: This sequence change replaces serine, which is neutral and polar, with leucine, which is neutral and non-polar, at codon 214 of the NPRL3 protein (p.Ser214Leu). This variant is present in population databases (rs556232826, gnomAD 0.04%), and has an allele count higher than expected for a pathogenic variant. This variant has not been reported in the literature in individuals affected with NPRL3-related conditions. ClinVar contains an entry for this variant (Variation ID: 476227). Invitae Evidence Modeling of protein sequence and biophysical properties (such as structural, functional, and spatial information, amino acid conservation, physicochemical variation, residue mobility, and thermodynamic stability) indicates that this missense variant is not expected to disrupt NPRL3 protein function with a negative predictive value of 80%. In summary, the available evidence is currently insufficient to determine the role of this variant in disease. Therefore, it has been classified as a Variant of Uncertain Significance.

Women's Health and Genetics/Laboratory Corporation of America, LabCorp
Classification: Uncertain significance. Last evaluated: 2024-11-19. Review status: criteria provided, single submitter. Criteria: LabCorp Variant Classification Summary - May 2015. Collection method: clinical testing. Allele origin: germline.
Comment: Variant summary: NPRL3 c.641C>T (p.Ser214Leu) results in a non-conservative amino acid change in the encoded protein sequence. Three of five in-silico tools predict a damaging effect of the variant on protein function. The variant allele was found at a frequency of 7.5e-05 in 212428 control chromosomes. This frequency is not significantly higher than estimated for a pathogenic variant in NPRL3 causing Epilepsy, Familial Focal, With Variable Foci 1, allowing no conclusion about variant significance. To our knowledge, no occurrence of c.641C>T in individuals affected with Epilepsy, Familial Focal, With Variable Foci and no experimental evidence demonstrating its impact on protein function have been reported. ClinVar contains an entry for this variant (Variation ID: 476227). Based on the evidence outlined above, the variant was classified as uncertain significance.

NM_001077350.3(NPRL3):c.641C>T (p.Ser214Leu)

Genes: HBA-LCR (alpha-globin locus control region; plus strand), NPRL3 (NPR3 like, GATOR1 complex subunit; minus strand). Cytogenetic location: 16p13.3.
Variant type: single nucleotide variant.
Coding change: c.641C>T on transcript NM_001077350.3 (MANE Select); coding-DNA position 641, C replaced by T.
Protein change: p.Ser214Leu; replaces serine 214 with leucine.
Molecular consequence: missense variant.
Genome position (GRCh38, 1-based): chr16:100,498, G>A on the plus strand (C>T on the coding strand, the complement: NPRL3 is on the minus strand). VCF-style: chr16-100498-G-A. GRCh37 (hg19) VCF-style: chr16-150496-G-A.
Other names: c.104C>T, p.Ser35Leu (NM_001039476.3); c.407C>T, p.Ser136Leu (NM_001243247.2); c.566C>T, p.Ser189Leu (NM_001243248.2, NM_001243249.2); short protein forms S189L, S214L, S35L, S136L.
Identifiers: ClinVar variation 476227 (VCV000476227.9), dbSNP rs556232826, ClinGen allele CA7769585.